The following is an entry in ClinVar:

ClinVar aggregate classification (germline): Uncertain significance (1 of 4 stars; one submission).

Submission:

GeneDx
Classification: Uncertain significance. Last evaluated: 2022-02-06. Review status: criteria provided, single submitter. Criteria: GeneDx Variant Classification Process June 2021. Collection method: clinical testing. Allele origin: germline. Affected: yes.
Comment: Has not been previously published as pathogenic or benign to our knowledge; In silico analysis supports that this missense variant has a deleterious effect on protein structure/function

NM_001273.5(CHD4):c.5192G>A (p.Arg1731Gln)

Genes: CHD4 (chromodomain helicase DNA binding protein 4; minus strand), CHD4-AS1 (CHD4 antisense RNA 1; plus strand). Cytogenetic location: 12p13.31.
Variant type: single nucleotide variant.
Coding change: c.5192G>A on transcript NM_001273.5 (MANE Select); coding-DNA position 5192, G replaced by A.
Protein change: p.Arg1731Gln; replaces arginine 1731 with glutamine.
Molecular consequence: missense variant.
Genome position (GRCh38, 1-based): chr12:6,578,065, C>T on the plus strand (G>A on the coding strand, the complement: CHD4 is on the minus strand). VCF-style: chr12-6578065-C-T. GRCh37 (hg19) VCF-style: chr12-6687231-C-T.
Other names: c.5171G>A, p.Arg1724Gln (NM_001297553.2); c.5159G>A, p.Arg1720Gln (NM_001363606.2); short protein forms R1720Q, R1724Q, R1731Q.
Identifiers: ClinVar variation 1700380 (VCV001700380.2), dbSNP rs1483827834, ClinGen allele CA383565473.